The following is an entry in ClinVar:

NM_014000.3(VCL):c.3131G>A (p.Arg1044Gln)

Gene: VCL (vinculin; plus strand). Cytogenetic location: 10q22.2.
Variant type: single nucleotide variant.
Coding change: c.3131G>A on transcript NM_014000.3 (MANE Select); coding-DNA position 3131, G replaced by A.
Protein change: p.Arg1044Gln; replaces arginine 1044 with glutamine.
Molecular consequence: missense variant.
Genome position (GRCh38, 1-based): chr10:74,114,365, G>A. VCF-style: chr10-74114365-G-A. GRCh37 (hg19) VCF-style: chr10-75874123-G-A.
Other names: c.2927G>A, p.Arg976Gln (NM_003373.4); short protein forms R976Q, R1044Q.
Identifiers: ClinVar variation 3677274 (VCV003677274.2).

ClinVar aggregate classification (germline): Uncertain significance (1 of 4 stars; one submission).

Conditions:
Dilated cardiomyopathy 1W (CMD1W). Identifiers: Orphanet 154, MedGen C1969639, MONDO:0012667, OMIM 611407.

Submission:

Labcorp Genetics (formerly Invitae), Labcorp
Classification: Uncertain significance for Dilated cardiomyopathy 1W. Last evaluated: 2024-12-15. Review status: criteria provided, single submitter. Criteria: Invitae Variant Classification Sherloc (09022015). Collection method: clinical testing. Allele origin: germline.
Comment: This sequence change replaces arginine, which is basic and polar, with glutamine, which is neutral and polar, at codon 1044 of the VCL protein (p.Arg1044Gln). This variant is not present in population databases (gnomAD no frequency). This variant has not been reported in the literature in individuals affected with VCL-related conditions. An algorithm developed to predict the effect of missense changes on protein structure and function (PolyPhen-2) suggests that this variant is likely to be disruptive. In summary, the available evidence is currently insufficient to determine the role of this variant in disease. Therefore, it has been classified as a Variant of Uncertain Significance.